The following is an entry in ClinVar:

ClinVar aggregate classification (germline): Likely benign (3 of 4 stars; one submission).

Conditions:
Breast-ovarian cancer, familial, susceptibility to, 1 (BROVCA1). Also called: BRCA1 Hereditary Breast and Ovarian Cancer; OVARIAN CANCER, SUSCEPTIBILITY TO. Identifiers: Orphanet 145, MedGen C2676676, MONDO:0011450, OMIM 604370. Disease mechanism: loss of function.

Submission:

Evidence-based Network for the Interpretation of Germline Mutant Alleles (ENIGMA)
Classification: Likely benign for Breast-ovarian cancer, familial, susceptibility to, 1. Last evaluated: 2017-06-29. Review status: reviewed by expert panel. Criteria: ENIGMA BRCA1/2 Classification Criteria (2017-06-29). Collection method: curation. Allele origin: germline.
Comment: Synonymous substitution variant, with low bioinformatic likelihood to result in a splicing aberration (Splicing prior probability 0.02).

NM_007294.4(BRCA1):c.2115A>T (p.Ala705=)

Gene: BRCA1 (BRCA1 DNA repair associated; minus strand). Cytogenetic location: 17q21.31.
Variant type: single nucleotide variant.
Coding change: c.2115A>T on transcript NM_007294.4 (MANE Select); coding-DNA position 2115, A replaced by T.
Protein change: p.Ala705=; no amino-acid change (alanine 705 retained).
Molecular consequence: synonymous variant. On other transcripts: intron variant (137).
Genome position (GRCh38, 1-based): chr17:43,093,416, T>A on the plus strand (A>T on the coding strand, the complement: BRCA1 is on the minus strand). VCF-style: chr17-43093416-T-A. GRCh37 (hg19) VCF-style: chr17-41245433-T-A.
Other names: c.1902A>T, p.Ala634= (NM_001407571.1, NM_001407853.1, NM_001407894.1 and 9 more transcripts); c.2115A>T, p.Ala705= (NM_001407581.1, NM_001407582.1, NM_001407583.1 and 30 more transcripts); c.2112A>T, p.Ala704= (NM_001407587.1, NM_001407590.1, NM_001407591.1 and 22 more transcripts); c.2106A>T, p.Ala702= (NM_001407646.1, NM_001407647.1); c.1992A>T, p.Ala664= (NM_001407648.1, NM_001407664.1, NM_001407665.1 and 19 more transcripts); c.1989A>T, p.Ala663= (NM_001407649.1, NM_001407670.1, NM_001407671.1 and 11 more transcripts); c.2037A>T, p.Ala679= (NM_001407653.1, NM_001407654.1, NM_001407655.1 and 4 more transcripts); c.2034A>T, p.Ala678= (NM_001407659.1, NM_001407660.1, NM_001407661.1 and 1 more transcripts); and 41 more.
Identifiers: ClinVar variation 427341 (VCV000427341.4), dbSNP rs1131692099, ClinGen allele CA500232922.